The following is an entry in ClinVar:

NM_003038.5(SLC1A4):c.391C>T (p.Leu131Phe)

Gene: SLC1A4 (solute carrier family 1 member 4; plus strand). Cytogenetic location: 2p14.
Variant type: single nucleotide variant.
Coding change: c.391C>T on transcript NM_003038.5 (MANE Select); coding-DNA position 391, C replaced by T.
Protein change: p.Leu131Phe; replaces leucine 131 with phenylalanine.
Molecular consequence: missense variant. On other transcripts: intron variant (3).
Genome position (GRCh38, 1-based): chr2:64,990,034, C>T. VCF-style: chr2-64990034-C-T. GRCh37 (hg19) VCF-style: chr2-65217168-C-T.
Other names: c.-134+1414C>T (NM_001348406.2, NM_001193493.2); c.-134+1480C>T (NM_001348407.2); short protein forms L131F.
Identifiers: ClinVar variation 1370076 (VCV001370076.4), dbSNP rs779452951, ClinGen allele CA1685869.

ClinVar aggregate classification (germline): Uncertain significance (1 of 4 stars; one submission).

Allele frequency attached by ClinVar (database versions not stated): TOPMed below 0.00001; gnomAD exomes 0.00001; ExAC 0.00002; gnomAD 0.00005 and 0.00006.
gnomAD v4.1: 13 of 1,604,146 alleles (0.00081%); highest among the groups gnomAD compares: Admixed American, 0.017%; no homozygotes.

Submission:

Labcorp Genetics (formerly Invitae), Labcorp
Classification: Uncertain significance. Last evaluated: 2023-12-07. Review status: criteria provided, single submitter. Criteria: Invitae Variant Classification Sherloc (09022015). Collection method: clinical testing. Allele origin: germline.
Comment: This sequence change replaces leucine, which is neutral and non-polar, with phenylalanine, which is neutral and non-polar, at codon 131 of the SLC1A4 protein (p.Leu131Phe). This variant is present in population databases (rs779452951, gnomAD 0.006%). This variant has not been reported in the literature in individuals affected with SLC1A4-related conditions. ClinVar contains an entry for this variant (Variation ID: 1370076). Advanced modeling of protein sequence and biophysical properties (such as structural, functional, and spatial information, amino acid conservation, physicochemical variation, residue mobility, and thermodynamic stability) performed at Invitae indicates that this missense variant is not expected to disrupt SLC1A4 protein function with a negative predictive value of 80%. In summary, the available evidence is currently insufficient to determine the role of this variant in disease. Therefore, it has been classified as a Variant of Uncertain Significance.